The following is an entry in ClinVar:

NM_016204.4(GDF2):c.1084T>C (p.Phe362Leu)

Gene: GDF2 (growth differentiation factor 2; plus strand). Cytogenetic location: 10q11.22.
Variant type: single nucleotide variant.
Coding change: c.1084T>C on transcript NM_016204.4 (MANE Select); coding-DNA position 1084, T replaced by C.
Protein change: p.Phe362Leu; replaces phenylalanine 362 with leucine.
Molecular consequence: missense variant.
Genome position (GRCh38, 1-based): chr10:47,325,578, T>C. VCF-style: chr10-47325578-T-C. GRCh37 (hg19) VCF-style: chr10-48413784-A-G.
Other names: c.1084T>C (NM_016204.1); short protein forms F362L.
Identifiers: ClinVar variation 2173715 (VCV002173715.3), dbSNP rs781801626, ClinGen allele CA5487951.
Genomic context (GRCh38, chr10:47,325,578, plus strand): 5'-GACAGCTGGATCATTGCACCCAAGGAGTATGAAGCCTACGAGTGTAAGGGCGGCTGCTTC[T>C]TCCCCTTGGCTGACGATGTGACGCCGACGAAACACGCTATCGTGCAGACCCTGGTGCATC-3'
Protein context (NP_057288.1, residues 352-372): EAYECKGGCF[Phe362Leu]PLADDVTPTK

ClinVar aggregate classification (germline): Conflicting classifications of pathogenicity. Review status: criteria provided, conflicting classifications (1 of 4 stars). 2 submissions from 2 submitters: Uncertain significance (1); Likely benign (1). Last evaluated 2026-01-17.

Conditions:
Cardiovascular phenotype. Identifiers: MedGen CN230736.
Telangiectasia, hereditary hemorrhagic, type 5 (HHT5). Identifiers: Orphanet 774, MedGen C3809710, MONDO:0014217, OMIM 615506.

Allele frequency attached by ClinVar (database versions not stated): gnomAD 0.00004; gnomAD exomes 0.00011; ExAC 0.00001; TOPMed 0.00003.

Submissions (2):

Ambry Genetics
Classification: Likely benign for Cardiovascular phenotype. Last evaluated: 2026-01-17. Review status: criteria provided, single submitter. Criteria: Ambry Variant Classification Scheme 2023. Collection method: clinical testing. Allele origin: germline.

Labcorp Genetics (formerly Invitae), Labcorp
Classification: Uncertain significance for Telangiectasia, hereditary hemorrhagic, type 5. Last evaluated: 2022-11-26. Review status: criteria provided, single submitter. Criteria: Invitae Variant Classification Sherloc (09022015). Collection method: clinical testing. Allele origin: germline.
Comment: This sequence change replaces phenylalanine, which is neutral and non-polar, with leucine, which is neutral and non-polar, at codon 362 of the GDF2 protein (p.Phe362Leu). In summary, the available evidence is currently insufficient to determine the role of this variant in disease. Therefore, it has been classified as a Variant of Uncertain Significance. Algorithms developed to predict the effect of missense changes on protein structure and function are either unavailable or do not agree on the potential impact of this missense change (SIFT: "Tolerated"; PolyPhen-2: "Probably Damaging"; Align-GVGD: "Class C0"). This missense change has been observed in individual(s) with clinical features of GDF2-related conditions (Invitae). This variant is present in population databases (rs781801626, gnomAD 0.006%).